The following is an entry in ClinVar:

ClinVar aggregate classification (germline): Uncertain significance (1 of 4 stars; one submission).

Allele frequency attached by ClinVar (database versions not stated): gnomAD exomes below 0.00001.
gnomAD v4.1: 1 of 1,608,216 alleles (0.000062%); highest among the groups gnomAD compares: Non-Finnish European, 0.000085%; no homozygotes.

Submission:

Labcorp Genetics (formerly Invitae), Labcorp
Classification: Uncertain significance. Last evaluated: 2023-08-04. Review status: criteria provided, single submitter. Criteria: Invitae Variant Classification Sherloc (09022015). Collection method: clinical testing. Allele origin: germline.
Comment: In summary, the available evidence is currently insufficient to determine the role of this variant in disease. Therefore, it has been classified as a Variant of Uncertain Significance. This variant has not been reported in the literature in individuals affected with ERCC3-related conditions. ClinVar contains an entry for this variant (Variation ID: 1993307). Experimental studies and prediction algorithms are not available or were not evaluated, and the functional significance of this variant is currently unknown. This sequence change replaces aspartic acid, which is acidic and polar, with asparagine, which is neutral and polar, at codon 5 of the ERCC3 protein (p.Asp5Asn). This variant is not present in population databases (gnomAD no frequency).

NM_000122.2(ERCC3):c.13G>A (p.Asp5Asn)

Gene: ERCC3 (ERCC excision repair 3, TFIIH core complex helicase subunit; minus strand). Cytogenetic location: 2q14.3.
Variant type: single nucleotide variant.
Coding change: c.13G>A on transcript NM_000122.2 (MANE Select); coding-DNA position 13, G replaced by A.
Protein change: p.Asp5Asn; replaces aspartic acid 5 with asparagine.
Molecular consequence: missense variant. On other transcripts: 5 prime UTR variant (2).
Genome position (GRCh38, 1-based): chr2:127,294,069, C>T on the plus strand (G>A on the coding strand, the complement: ERCC3 is on the minus strand). VCF-style: chr2-127294069-C-T. GRCh37 (hg19) VCF-style: chr2-128051645-C-T.
Other names: c.-377G>A (NM_001303416.2); c.-439G>A (NM_001303418.2); short protein forms D5N.
Identifiers: ClinVar variation 1993307 (VCV001993307.4), dbSNP rs2468073640, ClinGen allele CA348392477.